The following is an entry in ClinVar:

NM_001378452.1(ITPR1):c.3889A>G (p.Ile1297Val)

Gene: ITPR1 (inositol 1,4,5-trisphosphate receptor type 1; plus strand). Cytogenetic location: 3p26.1.
Variant type: single nucleotide variant.
Coding change: c.3889A>G on transcript NM_001378452.1 (MANE Select); coding-DNA position 3889, A replaced by G.
Protein change: p.Ile1297Val; replaces isoleucine 1297 with valine.
Molecular consequence: missense variant.
Genome position (GRCh38, 1-based): chr3:4,691,204, A>G. VCF-style: chr3-4691204-A-G. GRCh37 (hg19) VCF-style: chr3-4732888-A-G.
Other names: c.3817A>G (NM_002222.5); c.3862A>G, p.Ile1288Val (NM_001099952.4); c.3844A>G, p.Ile1282Val (NM_001168272.2); c.3817A>G, p.Ile1273Val (NM_002222.7); short protein forms I1288V, I1297V, I1282V, I1273V.
Identifiers: ClinVar variation 2193918 (VCV002193918.9), dbSNP rs61757107, ClinGen allele CA2231835.

ClinVar aggregate classification (germline): Uncertain significance. Review status: criteria provided, multiple submitters, no conflicts (2 of 4 stars). 4 submissions from 4 submitters: Uncertain significance (4). Last evaluated 2025-10-20.

Conditions:
Spinocerebellar ataxia type 15/16 (SCA15). Also called: Spinocerebellar Ataxia Type 15. Identifiers: Orphanet 98769, MedGen C1847725, MONDO:0011694, OMIM 606658.
Spinocerebellar ataxia type 29 (SCA29). Also called: CEREBELLAR ATAXIA, CONGENITAL NONPROGRESSIVE, AUTOSOMAL DOMINANT; Spinocerebellar ataxia 29, congenital nonprogressive. Identifiers: Orphanet 208513, MedGen C1861732, MONDO:0007298, OMIM 117360.
Gillespie syndrome (GLSP). Also called: Aniridia, cerebellar ataxia, and mental deficiency; Aniridia-cerebellar ataxia-intellectual disability syndrome. Identifiers: Orphanet 1065, MedGen C0431401, MONDO:0008795, OMIM 206700.
Inborn genetic diseases. Identifiers: MedGen C0950123, MeSH D030342.

Allele frequency attached by ClinVar (database versions not stated): gnomAD 0.00003; gnomAD exomes 0.00004; TOPMed 0.00003.
gnomAD v4.1: 68 of 1,613,270 alleles (0.0042%); highest among the groups gnomAD compares: Non-Finnish European, 0.0057%; no homozygotes.

Submissions (4):

GeneDx
Classification: Uncertain significance. Last evaluated: 2025-10-20. Review status: criteria provided, single submitter. Criteria: GeneDx Variant Classification Process June 2021. Collection method: clinical testing. Allele origin: germline.
Comment: In silico analysis suggests that this missense variant does not alter protein structure/function; Has not been previously published as pathogenic or benign to our knowledge; This variant is associated with the following publications: (PMID: 27535533)

Labcorp Genetics (formerly Invitae), Labcorp
Classification: Uncertain significance. Last evaluated: 2025-07-21. Review status: criteria provided, single submitter. Criteria: Invitae Variant Classification Sherloc (09022015). Collection method: clinical testing. Allele origin: germline.
Comment: This sequence change replaces isoleucine, which is neutral and non-polar, with valine, which is neutral and non-polar, at codon 1273 of the ITPR1 protein (p.Ile1273Val). This variant is present in population databases (rs61757107, gnomAD 0.005%). This variant has not been reported in the literature in individuals affected with ITPR1-related conditions. ClinVar contains an entry for this variant (Variation ID: 2193918). Invitae Evidence Modeling of protein sequence and biophysical properties (such as structural, functional, and spatial information, amino acid conservation, physicochemical variation, residue mobility, and thermodynamic stability) indicates that this missense variant is not expected to disrupt ITPR1 protein function with a negative predictive value of 95%. In summary, the available evidence is currently insufficient to determine the role of this variant in disease. Therefore, it has been classified as a Variant of Uncertain Significance.

Ambry Genetics
Classification: Uncertain significance for Inborn genetic diseases. Last evaluated: 2023-05-08. Review status: criteria provided, single submitter. Criteria: Ambry Variant Classification Scheme 2023. Collection method: clinical testing. Allele origin: germline.

Department of Pathology and Laboratory Medicine, Sinai Health System
Classification: Uncertain significance for Spinocerebellar ataxia type 29; Gillespie syndrome; Spinocerebellar ataxia type 15/16. Last evaluated: 2022-03-25. Review status: criteria provided, single submitter. Criteria: ACMG Guidelines, 2015. Collection method: research. Allele origin: germline.